The following is an entry in ClinVar:

ClinVar aggregate classification (germline): Likely benign (1 of 4 stars; one submission).

Conditions:
ABCC9-related disorder. Also called: ABCC9-related disorders; ABCC9-related condition.

gnomAD v4.1: 2 of 1,613,852 alleles (0.00012%); highest among the groups gnomAD compares: Non-Finnish European, 0.000085%; no homozygotes.

Submission:

PreventionGenetics, part of Exact Sciences
Classification: Likely benign for ABCC9-related condition. Last evaluated: 2025-08-15. Review status: criteria provided, single submitter. Criteria: ACMG Guidelines, 2015. Collection method: clinical testing. Allele origin: germline.
Comment: This variant is classified as likely benign based on ACMG/AMP sequence variant interpretation guidelines (Richards et al. 2015 PMID: 25741868, with internal and published modifications).

NM_020297.4(ABCC9):c.2667T>C (p.Ser889=)

Gene: ABCC9 (ATP binding cassette subfamily C member 9; minus strand). Cytogenetic location: 12p12.1.
Variant type: single nucleotide variant.
Coding change: c.2667T>C on transcript NM_020297.4 (MANE Select); coding-DNA position 2667, T replaced by C.
Protein change: p.Ser889=; no amino-acid change (serine 889 retained).
Molecular consequence: synonymous variant.
Genome position (GRCh38, 1-based): chr12:21,852,199, A>G on the plus strand (T>C on the coding strand, the complement: ABCC9 is on the minus strand). VCF-style: chr12-21852199-A-G. GRCh37 (hg19) VCF-style: chr12-22005133-A-G.
Other names: c.2667T>C, p.Ser889= (NM_001377273.1, NM_005691.4); c.1800T>C, p.Ser600= (NM_001377274.1).
Identifiers: ClinVar variation 5000385 (VCV005000385.1).